The following is an entry in ClinVar:

ClinVar aggregate classification (germline): Pathogenic (1 of 4 stars; one submission).

Conditions:
Lynch syndrome 5 (LYNCH5). Also called: Colorectal cancer, hereditary nonpolyposis, type 5; Hereditary non-polyposis colorectal cancer, type 5. Identifiers: Orphanet 144, MedGen C1833477, MONDO:0013710, OMIM 614350. Disease mechanism: loss of function.

Submission:

Myriad Genetics, Inc.
Classification: Pathogenic for Lynch syndrome 5. Last evaluated: 2022-12-29. Review status: criteria provided, single submitter. Criteria: Myriad Autosomal Dominant, Autosomal Recessive and X-Linked Classification Criteria (2023). Collection method: clinical testing. Allele origin: unknown.
Comment: This variant is considered pathogenic. This variant creates a termination codon and is predicted to result in premature protein truncation.

NM_000179.3(MSH6):c.3861T>A (p.Tyr1287Ter)

Gene: MSH6 (mutS homolog 6; plus strand). Cytogenetic location: 2p16.3.
Variant type: single nucleotide variant.
Coding change: c.3861T>A on transcript NM_000179.3 (MANE Select); coding-DNA position 3861, T replaced by A.
Protein change: p.Tyr1287Ter; replaces tyrosine 1287 with a stop codon.
Molecular consequence: nonsense. On other transcripts: missense variant (1).
Genome position (GRCh38, 1-based): chr2:47,806,511, T>A. VCF-style: chr2-47806511-T-A. GRCh37 (hg19) VCF-style: chr2-48033650-T-A.
Other names: c.3471T>A, p.Tyr1157Ter (NM_001281492.2); c.2955T>A, p.Tyr985Ter (NM_001281493.2, NM_001281494.2, NM_001406811.1 and 6 more transcripts); c.3957T>A, p.Tyr1319Ter (NM_001406795.1); c.3861T>A, p.Tyr1287Ter (NM_001406796.1, NM_001406808.1, NM_001406809.1); c.3564T>A, p.Tyr1188Ter (NM_001406797.1, NM_001406801.1, NM_001406805.1 and 10 more transcripts); c.3687T>A, p.Tyr1229Ter (NM_001406798.1); c.3336T>A, p.Tyr1112Ter (NM_001406799.1, NM_001406806.1, NM_001406807.1); c.3848T>A, p.Ile1283Lys (NM_001406800.1); and 8 more; short protein forms I1283K, Y1112*, Y1157*, Y1188*, Y1229*, Y1231*, Y1261*, Y1287*.
Identifiers: ClinVar variation 2431308 (VCV002431308.1), dbSNP rs1060504739, ClinGen allele CA346761331.